The following is an entry in ClinVar:

NM_006031.6(PCNT):c.2773G>A (p.Ala925Thr)

Gene: PCNT (pericentrin; plus strand). Cytogenetic location: 21q22.3.
Variant type: single nucleotide variant.
Coding change: c.2773G>A on transcript NM_006031.6 (MANE Select); coding-DNA position 2773, G replaced by A.
Protein change: p.Ala925Thr; replaces alanine 925 with threonine.
Molecular consequence: missense variant.
Genome position (GRCh38, 1-based): chr21:46,366,747, G>A. VCF-style: chr21-46366747-G-A. GRCh37 (hg19) VCF-style: chr21-47786662-G-A.
Other names: c.2419G>A, p.Ala807Thr (NM_001315529.2); short protein forms A807T, A925T.
Identifiers: ClinVar variation 4985160 (VCV004985160.1).

ClinVar aggregate classification (germline): Uncertain significance (1 of 4 stars; one submission).

Conditions:
PCNT-related disorder. Also called: PCNT-related condition.

gnomAD v4.1: 3 of 1,613,578 alleles (0.00019%); highest among the groups gnomAD compares: South Asian, 0.0011%; no homozygotes.

Submission:

PreventionGenetics, part of Exact Sciences
Classification: Uncertain significance for PCNT-related condition. Last evaluated: 2025-10-28. Review status: criteria provided, single submitter. Criteria: ACMG Guidelines, 2015. Collection method: clinical testing. Allele origin: germline.
Comment: The PCNT c.2773G>A variant is predicted to result in the amino acid substitution p.Ala925Thr. To our knowledge, this variant has not been reported in the literature or in a large population database (gnomAD), indicating this variant is rare. At this time, the clinical significance of this variant is uncertain due to the absence of conclusive functional and genetic evidence.